The following is an entry in ClinVar:

NM_003791.4(MBTPS1):c.996G>T (p.Met332Ile)

Gene: MBTPS1 (membrane bound transcription factor peptidase, site 1; minus strand). Cytogenetic location: 16q23.3.
Variant type: single nucleotide variant.
Coding change: c.996G>T on transcript NM_003791.4 (MANE Select); coding-DNA position 996, G replaced by T.
Protein change: p.Met332Ile; replaces methionine 332 with isoleucine.
Molecular consequence: missense variant.
Genome position (GRCh38, 1-based): chr16:84,090,910, C>A on the plus strand (G>T on the coding strand, the complement: MBTPS1 is on the minus strand). VCF-style: chr16-84090910-C-A. GRCh37 (hg19) VCF-style: chr16-84124515-C-A.
Other names: c.996G>T (NM_003791.3); short protein forms M332I.
Identifiers: ClinVar variation 2409623 (VCV002409623.4), dbSNP rs776110165, ClinGen allele CA8201522.
Genomic context (GRCh38, chr16:84,090,910, plus strand): 5'-GGTCATCCCTGCTGGGGCTACTTACCCATAAAGAGGTCCGTCATTGCCAATAGCAGAAAC[C>A]ATGATTACATTGTTAGCTGTTAATTCCCACACCTACAAAAGGAGCATTTATTTAATGAAA-3'
Protein context (NP_003782.1, residues 322-342): VWELTANNVI[Met332Ile]VSAIGNDGPL

ClinVar aggregate classification (germline): Uncertain significance. Review status: criteria provided, multiple submitters, no conflicts (2 of 4 stars). 2 submissions from 2 submitters: Uncertain significance (2). Last evaluated 2025-05-09.

Conditions:
Inborn genetic diseases. Identifiers: MedGen C0950123, MeSH D030342.

Allele frequency attached by ClinVar (database versions not stated): gnomAD exomes 0.00012; ExAC 0.00005; TOPMed 0.00005; gnomAD 0.00007.
gnomAD v4.1: 195 of 1,612,780 alleles (0.012%); highest among the groups gnomAD compares: Non-Finnish European, 0.015%; no homozygotes.

Submissions (2):

GeneDx
Classification: Uncertain significance. Last evaluated: 2025-05-09. Review status: criteria provided, single submitter. Criteria: GeneDx Variant Classification Process June 2021. Collection method: clinical testing. Allele origin: germline. Affected: yes.
Comment: In silico analysis supports that this missense variant has a deleterious effect on protein structure/function; Has not been previously published as pathogenic or benign to our knowledge

Ambry Genetics
Classification: Uncertain significance for Inborn genetic diseases. Last evaluated: 2024-12-27. Review status: criteria provided, single submitter. Criteria: Ambry Variant Classification Scheme 2023. Collection method: clinical testing. Allele origin: germline.